The following is an entry in ClinVar:

ClinVar aggregate classification (germline): Uncertain significance (1 of 4 stars; one submission).

Conditions:
Malignant hyperthermia, susceptibility to, 5 (MHS5). Also called: CACNA1S-Related Malignant Hyperthermia Susceptibility. Identifiers: Orphanet 423, MedGen C1866077, MONDO:0011163, OMIM 601887.

Submission:

All of Us Research Program, National Institutes of Health
Classification: Uncertain significance for Malignant hyperthermia, susceptibility to, 5. Last evaluated: 2023-05-31. Review status: criteria provided, single submitter. Criteria: ACMG Guidelines, 2015. Collection method: clinical testing. Allele origin: germline. Inheritance: Autosomal dominant inheritance. Observed: 1 variant allele, 1 heterozygote.
Comment: This study involves interpretation of variants in research participants for the purpose of population health screening. Participant phenotype was not available at the time of variant classification. Additional details can be found in publication PMID: 35346344, PMCID: PMC8962531

NM_000069.3(CACNA1S):c.2062_2063+2del

Gene: CACNA1S (calcium voltage-gated channel subunit alpha1 S; minus strand). Cytogenetic location: 1q32.1.
Variant type: Deletion.
Coding change: c.2062_2063+2del on transcript NM_000069.3 (MANE Select); coding-DNA position 2062 through the canonical splice donor site of the intron after coding-DNA position 2063, 4 bases deleted (AAGT; older notation c.2062_2063+2delAAGT).
Molecular consequence: splice donor variant.
Genome position (GRCh38, 1-based): chr1:201,074,504-201,074,507, ACTT deleted on the plus strand (AAGT on the coding strand, the reverse complement: CACNA1S is on the minus strand). VCF-style (leftmost placement, unchanged base first): chr1-201074503-CACTT-C. GRCh37 (hg19) VCF-style: chr1-201043631-CACTT-C.
Identifiers: ClinVar variation 3071289 (VCV003071289.1), dbSNP rs2464554098, ClinGen allele CA2825000904.